The following is an entry in ClinVar:

ClinVar aggregate classification (germline): Uncertain significance. Review status: criteria provided, multiple submitters, no conflicts (2 of 4 stars). 2 submissions from 2 submitters: Uncertain significance (2). Last evaluated 2026-04-13.

Conditions:
Neurofibromatosis, type 1 (NF1). Also called: VON RECKLINGHAUSEN DISEASE; NEUROFIBROMATOSIS, TYPE I, SOMATIC; Peripheral type neurofibromatosis; Neurofibromatosis, type I. Identifiers: Orphanet 636, MedGen C0027831, MONDO:0018975, OMIM 162200. Disease mechanism: loss of function.

Submissions (2):

GeneDx
Classification: Uncertain significance. Last evaluated: 2026-04-13. Review status: criteria provided, single submitter. Criteria: GeneDx Variant Classification Process June 2021. Collection method: clinical testing. Allele origin: germline.
Comment: Not observed at significant frequency in large population cohorts (gnomAD); In silico analysis supports that this missense variant has a deleterious effect on protein structure/function; Has not been previously published as pathogenic or benign to our knowledge; This variant is associated with the following publications: (PMID: 25486365, 2121369)

Labcorp Genetics (formerly Invitae), Labcorp
Classification: Uncertain significance for Neurofibromatosis, type 1. Last evaluated: 2025-07-31. Review status: criteria provided, single submitter. Criteria: Invitae Variant Classification Sherloc (09022015). Collection method: clinical testing. Allele origin: germline.
Comment: This sequence change replaces phenylalanine, which is neutral and non-polar, with leucine, which is neutral and non-polar, at codon 1110 of the NF1 protein (p.Phe1110Leu). This variant is not present in population databases (gnomAD no frequency). This variant has not been reported in the literature in individuals affected with NF1-related conditions. ClinVar contains an entry for this variant (Variation ID: 2981516). Invitae Evidence Modeling of protein sequence and biophysical properties (such as structural, functional, and spatial information, amino acid conservation, physicochemical variation, residue mobility, and thermodynamic stability) indicates that this missense variant is expected to disrupt NF1 protein function with a positive predictive value of 95%. In summary, the available evidence is currently insufficient to determine the role of this variant in disease. Therefore, it has been classified as a Variant of Uncertain Significance.

NM_001042492.3(NF1):c.3330T>G (p.Phe1110Leu)

Gene: NF1 (neurofibromin 1; plus strand). Cytogenetic location: 17q11.2.
Variant type: single nucleotide variant.
Coding change: c.3330T>G on transcript NM_001042492.3 (MANE Select); coding-DNA position 3330, T replaced by G.
Protein change: p.Phe1110Leu; replaces phenylalanine 1110 with leucine.
Molecular consequence: missense variant.
Genome position (GRCh38, 1-based): chr17:31,232,715, T>G. VCF-style: chr17-31232715-T-G. GRCh37 (hg19) VCF-style: chr17-29559733-T-G.
Other names: c.3330T>G, p.Phe1110Leu (NM_000267.4); short protein forms F1110L.
Identifiers: ClinVar variation 2981516 (VCV002981516.4), dbSNP rs1256152851, ClinGen allele CA398988994.